The following is an entry in ClinVar:

NC_000005.10:g.112707369G>C

Gene: APC (APC regulator of Wnt signaling pathway; plus strand). Cytogenetic location: 5q22.2.
Variant type: single nucleotide variant.
Genome position: GRCh38 VCF-style: chr5-112707369-G-C. GRCh37 (hg19) VCF-style: chr5-112043066-G-C.
Identifiers: ClinVar variation 2851927 (VCV002851927.3), dbSNP rs1232017569, ClinGen allele CA2739274965.

ClinVar aggregate classification (germline): Uncertain significance (1 of 4 stars; one submission).

Conditions:
Familial adenomatous polyposis 1 (FAP1). Also called: FAMILIAL ADENOMATOUS POLYPOSIS 1, ATTENUATED; POLYPOSIS, ADENOMATOUS INTESTINAL. Identifiers: MedGen C2713442, MONDO:0021056, OMIM 175100. Disease mechanism: loss of function.

Submission:

Labcorp Genetics (formerly Invitae), Labcorp
Classification: Uncertain significance for Familial adenomatous polyposis 1. Last evaluated: 2023-04-04. Review status: criteria provided, single submitter. Criteria: Invitae Variant Classification Sherloc (09022015). Collection method: clinical testing. Allele origin: germline.
Comment: This variant occurs in a non-coding region of the APC gene. It does not change the encoded amino acid sequence of the APC protein. This variant is not present in population databases (gnomAD no frequency). This variant has not been reported in the literature in individuals affected with APC-related conditions. Experimental studies and prediction algorithms are not available or were not evaluated, and the functional significance of this variant is currently unknown. In summary, the available evidence is currently insufficient to determine the role of this variant in disease. Therefore, it has been classified as a Variant of Uncertain Significance.